The following is an entry in ClinVar:

ClinVar aggregate classification (germline): Likely pathogenic (1 of 4 stars; one submission).

Conditions:
EAST syndrome (SESAMES). Also called: SEIZURES, SENSORINEURAL DEAFNESS, ATAXIA, IMPAIRED INTELLECTUAL DEVELOPMENT, AND ELECTROLYTE IMBALANCE. Identifiers: Orphanet 199343, MedGen C2748572, MONDO:0013005, OMIM 612780.

Submission:

First Genomix Gene Laboratory, Genetic Diagnostics Department
Classification: Likely pathogenic for EAST syndrome. Last evaluated: 2025-03-28. Review status: criteria provided, single submitter. Criteria: ACMG Guidelines, 2015. Collection method: clinical testing. Allele origin: germline. Inheritance: Autosomal recessive inheritance. Affected: no. Observed: 1 variant allele.

NM_002241.5(KCNJ10):c.579_585del (p.Lys193fs)

Gene: KCNJ10 (potassium inwardly rectifying channel subfamily J member 10; minus strand). Cytogenetic location: 1q23.2.
Variant type: Deletion.
Coding change: c.579_585del on transcript NM_002241.5 (MANE Select); coding-DNA positions 579 to 585, 7 bases deleted (GCCCTGC; older notation c.579_585delGCCCTGC).
Protein change: p.Lys193fs; shifts the reading frame from lysine 193.
Molecular consequence: frameshift variant.
Genome position (GRCh38, 1-based): chr1:160,041,948-160,041,954, GCAGGGC deleted on the plus strand (GCCCTGC on the coding strand, the reverse complement: KCNJ10 is on the minus strand). VCF-style (leftmost placement, unchanged base first): chr1-160041947-GGCAGGGC-G. GRCh37 (hg19) VCF-style: chr1-160011737-GGCAGGGC-G.
Other names: c.579_585delGCCCTGC (NM_002241.5); short protein forms K193fs.
Identifiers: ClinVar variation 4845855 (VCV004845855.1).